The following is an entry in ClinVar:

ClinVar aggregate classification (germline): Uncertain significance (1 of 4 stars; one submission).

Allele frequency attached by ClinVar (database versions not stated): ExAC 0.00001; gnomAD 0.00001; gnomAD exomes 0.00001; TOPMed 0.00001; ESP Exome Variant Server 0.00008.

Submission:

Women's Health and Genetics/Laboratory Corporation of America, LabCorp
Classification: Uncertain significance. Last evaluated: 2024-03-06. Review status: criteria provided, single submitter. Criteria: LabCorp Variant Classification Summary - May 2015. Collection method: clinical testing. Allele origin: germline.
Comment: Variant summary: ECE1 c.1198C>T (p.Arg400Trp) results in a non-conservative amino acid change in the encoded protein sequence. Four of five in-silico tools predict a damaging effect of the variant on protein function. The variant allele was found at a frequency of 1.2e-05 in 251436 control chromosomes (gnomAD). The available data on variant occurrences in the general population are insufficient to allow any conclusion about variant significance. To our knowledge, no occurrence of c.1198C>T in individuals affected with Hirschsprung Disease, Cardiac Defects, And Autonomic Dysfunction and no experimental evidence demonstrating its impact on protein function have been reported. No submitters have cited clinical-significance assessments for this variant to ClinVar. Based on the evidence outlined above, the variant was classified as uncertain significance.

NM_001397.3(ECE1):c.1198C>T (p.Arg400Trp)

Gene: ECE1 (endothelin converting enzyme 1; minus strand). Cytogenetic location: 1p36.12.
Variant type: single nucleotide variant.
Coding change: c.1198C>T on transcript NM_001397.3 (MANE Select); coding-DNA position 1198, C replaced by T.
Protein change: p.Arg400Trp; replaces arginine 400 with tryptophan.
Molecular consequence: missense variant.
Genome position (GRCh38, 1-based): chr1:21,245,069, G>A on the plus strand (C>T on the coding strand, the complement: ECE1 is on the minus strand). VCF-style: chr1-21245069-G-A. GRCh37 (hg19) VCF-style: chr1-21571562-G-A.
Other names: c.1162C>T, p.Arg388Trp (NM_001113347.2); c.1150C>T, p.Arg384Trp (NM_001113348.2); c.1189C>T, p.Arg397Trp (NM_001113349.2); short protein forms R384W, R388W, R397W, R400W.
Identifiers: ClinVar variation 3233623 (VCV003233623.2), dbSNP rs372113894, ClinGen allele CA665227.
Genomic context (GRCh38, chr1:21,245,069, plus strand): 5'-CTTCCATGAACTTCTCATCGGCGTCCTGAAAGCGCTGGTCAAGGAAGGAGCTTGTTTTCC[G>A]CACCAGGTTCCAGATCATGTAGTTGTTGAGCAGGCTGCGGGGAGAGGAGGCCAGAGAGGC-3'
Protein context (NP_001388.1, residues 390-410): LNNYMIWNLV[Arg400Trp]KTSSFLDQRF